The following is an entry in ClinVar:

ClinVar aggregate classification (germline): Likely pathogenic (1 of 4 stars; one submission).

Conditions:
Microcephalic osteodysplastic primordial dwarfism type II (MOPD2). Also called: Microcephalic osteodysplastic primordial dwarfism with tooth abnormalities; MOPD II; OSTEODYSPLASTIC PRIMORDIAL DWARFISM, TYPE II. Identifiers: Orphanet 2637, MedGen C0432246, MONDO:0008872, OMIM 210720.

gnomAD v4.1: 1 of 1,613,934 alleles (0.000062%); highest among the groups gnomAD compares: Admixed American, 0.0017%; no homozygotes.

Submission:

3billion
Classification: Likely pathogenic for Microcephalic osteodysplastic primordial dwarfism type II. Last evaluated: 2025-08-31. Review status: criteria provided, single submitter. Criteria: ACMG Guidelines, 2015. Collection method: clinical testing. Allele origin: germline. Affected: yes.
Comment: The variant is observed at an extremely low frequency in the gnomAD v4.1.0 dataset (total allele frequency: <0.001%). Predicted Consequence/Location: Stop-gained (nonsense): predicted to result in a loss or disruption of normal protein function through nonsense-mediated decay (NMD) or protein truncation. Multiple pathogenic variants are reported downstream of the variant. Therefore, this variant is classified as Likely pathogenic according to the recommendation of ACMG/AMP guideline.

NM_006031.6(PCNT):c.3856C>T (p.Gln1286Ter)

Gene: PCNT (pericentrin; plus strand). Cytogenetic location: 21q22.3.
Variant type: single nucleotide variant.
Coding change: c.3856C>T on transcript NM_006031.6 (MANE Select); coding-DNA position 3856, C replaced by T.
Protein change: p.Gln1286Ter; replaces glutamine 1286 with a stop codon.
Molecular consequence: nonsense.
Genome position (GRCh38, 1-based): chr21:46,390,685, C>T. VCF-style: chr21-46390685-C-T. GRCh37 (hg19) VCF-style: chr21-47810600-C-T.
Other names: c.3502C>T, p.Gln1168Ter (NM_001315529.2); short protein forms Q1168*, Q1286*.
Identifiers: ClinVar variation 4855390 (VCV004855390.1).